The following is an entry in ClinVar:

ClinVar aggregate classification (germline): Likely benign (1 of 4 stars; one submission).

Allele frequency attached by ClinVar (database versions not stated): gnomAD exomes 0.00008 and 0.00016; TOPMed 0.00008; gnomAD 0.00009; ExAC 0.00016.
gnomAD v4.1: 130 of 1,613,028 alleles (0.0081%); highest among the groups gnomAD compares: Admixed American, 0.045%; 1 homozygote.

Submission:

CeGaT Center for Human Genetics Tuebingen
Classification: Likely benign. Last evaluated: 2023-06-01. Review status: criteria provided, single submitter. Criteria: CeGaT Center For Human Genetics Tuebingen Variant Classification Criteria Version 2. Collection method: clinical testing. Allele origin: germline. Affected: yes. Observed: 2 variant alleles.
Comment: FERRY3: BP4, BP7

NM_020374.4(FERRY3):c.1473G>A (p.Ala491=)

Gene: FERRY3 (FERRY endosomal RAB5 effector complex subunit 3; minus strand). Cytogenetic location: 12p13.32.
Variant type: single nucleotide variant.
Coding change: c.1473G>A on transcript NM_020374.4 (MANE Select); coding-DNA position 1473, G replaced by A.
Protein change: p.Ala491=; no amino-acid change (alanine 491 retained).
Molecular consequence: synonymous variant. On other transcripts: non-coding transcript variant (3).
Genome position (GRCh38, 1-based): chr12:4,491,202, C>T on the plus strand (G>A on the coding strand, the complement: FERRY3 is on the minus strand). VCF-style: chr12-4491202-C-T. GRCh37 (hg19) VCF-style: chr12-4600368-C-T.
Other names: c.1344G>A, p.Ala448= (NM_001346153.2, NM_001346155.2); c.954G>A, p.Ala318= (NM_001346156.2); c.825G>A, p.Ala275= (NM_001346157.2); c.621G>A, p.Ala207= (NM_001352962.2); c.1473G>A, p.Ala491= (NM_001304811.2).
Identifiers: ClinVar variation 1335092 (VCV001335092.35), dbSNP rs777031348, ClinGen allele CA6396093.
Genomic context (GRCh38, chr12:4,491,202, plus strand): 5'-CAGGTGGTGGTTGTCAGAGAGAAGATTATGCTCACCTTTGACACACTTGAACACAAGTTC[C>T]GCTCTCCTTAAGCACCAGGGTATAGTCATTTCCTAAAAACAGAAACAAAACATAAGATAT-3'
Protein context (NP_065107.1, residues 481-501): EMTIPWCLRR[Ala491=]ELVFKCVKGF